The following is an entry in ClinVar:

NM_002907.4(RECQL):c.1798-2A>T

Genes: PYROXD1 (pyridine nucleotide-disulphide oxidoreductase domain 1; plus strand), RECQL (RecQ like helicase; minus strand). Cytogenetic location: 12p12.1.
Variant type: single nucleotide variant.
Coding change: c.1798-2A>T on transcript NM_002907.4 (MANE Select); the canonical splice acceptor site of the intron before coding-DNA position 1798, A replaced by T.
Molecular consequence: splice acceptor variant. On other transcripts: 3 prime UTR variant (3).
Genome position (GRCh38, 1-based): chr12:21,470,348, T>A on the plus strand (A>T on the coding strand, the complement: RECQL is on the minus strand). VCF-style: chr12-21470348-T-A. GRCh37 (hg19) VCF-style: chr12-21623282-T-A.
Other names: c.*1594T>A (NM_001350912.2, NM_001350913.2, NM_024854.5); c.1798-2A>T (NM_032941.3).
Identifiers: ClinVar variation 584802 (VCV000584802.6), dbSNP rs756192830, ClinGen allele CA384114163.

ClinVar aggregate classification (germline): Uncertain significance. Review status: criteria provided, multiple submitters, no conflicts (2 of 4 stars). 3 submissions from 3 submitters: Uncertain significance (3). Last evaluated 2020-08-04.

Conditions:
Hereditary cancer-predisposing syndrome. Also called: Hereditary Cancer Syndrome; Tumor predisposition; Neoplastic Syndromes, Hereditary; Hereditary neoplastic syndrome. Identifiers: Orphanet 140162, MedGen C0027672, MeSH D009386, MONDO:0015356.

Allele frequency attached by ClinVar (database versions not stated): gnomAD exomes 0.00123.

Submissions (8):

Ambry Genetics
Classification: Uncertain significance. Last evaluated: 2020-08-04. Review status: criteria provided, single submitter. Criteria: Ambry Variant Classification Scheme 2023. Collection method: clinical testing. Allele origin: germline.
Comment: The c.1798-2A>T intronic variant results from an A to T substitution two nucleotides upstream from coding exon 14 in the RECQL gene. This nucleotide position is well conserved in available vertebrate species. In silico splice site analysis predicts that this alteration will weaken the native splice acceptor site and will result in the creation or strengthening of a novel splice acceptor site. Since supporting evidence is limited at this time, the clinical significance of this alteration remains unclear.

Mendelics
Classification: Uncertain significance for Hereditary cancer-predisposing syndrome. Last evaluated: 2018-07-02. Review status: criteria provided, single submitter. Criteria: Mendelics Assertion Criteria 2017. Collection method: clinical testing. Allele origin: unknown.

Breakthrough Genomics
Classification: Uncertain significance. Review status: criteria provided, single submitter. Criteria: ACMG Guidelines, 2015. Collection method: not provided. Allele origin: germline. Inheritance: Unknown mechanism. Affected: yes.

Dr. Peter K. Rogan Lab, Western University
No classification provided (evidence only). Condition: Familial cancer of breast. Review status: no classification provided. Collection method: in vitro. Allele origin: not applicable. Functional consequence: retained intron. Not counted in ClinVar's aggregate classification.

Dr. Peter K. Rogan Lab, Western University
No classification provided (evidence only). Condition: Familial cancer of breast. Review status: no classification provided. Collection method: in vitro. Allele origin: not applicable. Functional consequence: retained intron. Not counted in ClinVar's aggregate classification.

Dr. Peter K. Rogan Lab, Western University
No classification provided (evidence only). Condition: Familial cancer of breast. Review status: no classification provided. Collection method: in vitro. Allele origin: not applicable. Functional consequence: retained intron. Not counted in ClinVar's aggregate classification.

Dr. Peter K. Rogan Lab, Western University
No classification provided (evidence only). Condition: Cervical cancer. Review status: no classification provided. Collection method: in vitro. Allele origin: not applicable. Functional consequence: retained intron. Not counted in ClinVar's aggregate classification.

Dr. Peter K. Rogan Lab, Western University
No classification provided (evidence only). Condition: Ovarian serous cystadenocarcinoma. Review status: no classification provided. Collection method: in vitro. Allele origin: not applicable. Functional consequence: retained intron. Not counted in ClinVar's aggregate classification.